The following is an entry in ClinVar:

NM_006231.4(POLE):c.2398C>T (p.Leu800=)

Gene: POLE (DNA polymerase epsilon, catalytic subunit; minus strand). Cytogenetic location: 12q24.33.
Variant type: single nucleotide variant.
Coding change: c.2398C>T on transcript NM_006231.4 (MANE Select); coding-DNA position 2398, C replaced by T.
Protein change: p.Leu800=; no amino-acid change (leucine 800 retained).
Molecular consequence: synonymous variant.
Genome position (GRCh38, 1-based): chr12:132,665,372, G>A on the plus strand (C>T on the coding strand, the complement: POLE is on the minus strand). VCF-style: chr12-132665372-G-A. GRCh37 (hg19) VCF-style: chr12-133241958-G-A.
Identifiers: ClinVar variation 510882 (VCV000510882.8), dbSNP rs1333910199, ClinGen allele CA482739277.
Genomic context (GRCh38, chr12:132,665,372, plus strand): 5'-TGACATAGCCATAGAAGGAGTTCAGGATGCACTTGTGGGCCAGCTGCAGCGAGTCATACA[G>A]CACCTCCATGTTCTTGCAGCGCTTCACCTCAGCCGCGTCGCCCACCTCCACGGCCGCCGA-3'
Protein context (NP_006222.2, residues 790-810): EVKRCKNMEV[Leu800=]YDSLQLAHKC

ClinVar aggregate classification (germline): Likely benign. Review status: criteria provided, multiple submitters, no conflicts (2 of 4 stars). 3 submissions from 3 submitters: Likely benign (3). Last evaluated 2023-03-09.

Conditions:
Hereditary cancer-predisposing syndrome. Also called: Hereditary neoplastic syndrome; Hereditary Cancer Syndrome; Neoplastic Syndromes, Hereditary; Tumor predisposition. Identifiers: Orphanet 140162, MedGen C0027672, MeSH D009386, MONDO:0015356.

Allele frequency attached by ClinVar (database versions not stated): gnomAD 0.00001.
gnomAD v4.1: 1 of 1,613,746 alleles (0.000062%); highest among the groups gnomAD compares: East Asian, 0.0022%; no homozygotes.

Submissions (3):

Labcorp Genetics (formerly Invitae), Labcorp
Classification: Likely benign. Last evaluated: 2023-03-09. Review status: criteria provided, single submitter. Criteria: Invitae Variant Classification Sherloc (09022015). Collection method: clinical testing. Allele origin: germline.

GeneDx
Classification: Likely benign. Last evaluated: 2017-07-14. Review status: criteria provided, single submitter. Criteria: GeneDx Variant Classification (06012015). Collection method: clinical testing. Allele origin: germline. Affected: yes.
Comment: This variant is considered likely benign or benign based on one or more of the following criteria: it is a conservative change, it occurs at a poorly conserved position in the protein, it is predicted to be benign by multiple in silico algorithms, and/or has population frequency not consistent with disease.

Ambry Genetics
Classification: Likely benign for Hereditary cancer-predisposing syndrome. Last evaluated: 2015-06-25. Review status: criteria provided, single submitter. Criteria: Ambry Variant Classification Scheme 2023. Collection method: clinical testing. Allele origin: germline.